The following is an entry in ClinVar:

NM_004535.3(MYT1):c.384C>T (p.Pro128=)

Gene: MYT1 (myelin transcription factor 1; plus strand). Cytogenetic location: 20q13.33.
Variant type: single nucleotide variant.
Coding change: c.384C>T on transcript NM_004535.3 (MANE Select); coding-DNA position 384, C replaced by T.
Protein change: p.Pro128=; no amino-acid change (proline 128 retained).
Molecular consequence: synonymous variant.
Genome position (GRCh38, 1-based): chr20:64,205,787, C>T. VCF-style: chr20-64205787-C-T. GRCh37 (hg19) VCF-style: chr20-62837140-C-T.
Identifiers: ClinVar variation 717277 (VCV000717277.29), dbSNP rs140173238, ClinGen allele CA9974557.

ClinVar aggregate classification (germline): Likely benign. Review status: criteria provided, multiple submitters, no conflicts (2 of 4 stars). 3 submissions from 3 submitters: Likely benign (2). 1 of the submissions does not count toward it. Last evaluated 2022-07-01.

Conditions:
MYT1-related disorder. Also called: MYT1-related condition.

Allele frequency attached by ClinVar (database versions not stated): ExAC 0.00105; ESP Exome Variant Server 0.00108; gnomAD exomes 0.00145 and 0.00094; 1000 Genomes Project 30x 0.00016; 1000 Genomes Project 0.00020; gnomAD 0.00092 and 0.00096; TOPMed 0.00094.

Submissions (3):

CeGaT Center for Human Genetics Tuebingen
Classification: Likely benign. Last evaluated: 2022-07-01. Review status: criteria provided, single submitter. Criteria: CeGaT Center For Human Genetics Tuebingen Variant Classification Criteria Version 2. Collection method: clinical testing. Allele origin: germline. Affected: yes. Observed: 1 variant allele.
Comment: MYT1: BP4, BP7

Labcorp Genetics (formerly Invitae), Labcorp
Classification: Likely benign. Last evaluated: 2019-12-31. Review status: criteria provided, single submitter. Criteria: Invitae Variant Classification Sherloc (09022015). Collection method: clinical testing. Allele origin: germline.

PreventionGenetics, part of Exact Sciences
Classification: Likely benign for MYT1-related condition. Last evaluated: 2019-12-02. Review status: no assertion criteria provided. Collection method: clinical testing. Allele origin: germline. Not counted in ClinVar's aggregate classification.
Comment: This variant is classified as likely benign based on ACMG/AMP sequence variant interpretation guidelines (Richards et al. 2015 PMID: 25741868, with internal and published modifications).